The following is an entry in ClinVar:

NM_001374385.1(ATP8B1):c.426C>A (p.Tyr142Ter)

Gene: ATP8B1 (ATPase phospholipid transporting 8B1; minus strand). Cytogenetic location: 18q21.31.
Variant type: single nucleotide variant.
Coding change: c.426C>A on transcript NM_001374385.1 (MANE Select); coding-DNA position 426, C replaced by A.
Protein change: p.Tyr142Ter; replaces tyrosine 142 with a stop codon.
Molecular consequence: nonsense.
Genome position (GRCh38, 1-based): chr18:57,701,281, G>T on the plus strand (C>A on the coding strand, the complement: ATP8B1 is on the minus strand). VCF-style: chr18-57701281-G-T. GRCh37 (hg19) VCF-style: chr18-55368513-G-T.
Other names: c.276C>A, p.Tyr92Ter (NM_001374386.1); c.426C>A, p.Tyr142Ter (NM_005603.6); short protein forms Y92*, Y142*.
Identifiers: ClinVar variation 2744846 (VCV002744846.3), dbSNP rs2511791431, ClinGen allele CA402547388.

ClinVar aggregate classification (germline): Pathogenic (1 of 4 stars; one submission).

Submission:

Labcorp Genetics (formerly Invitae), Labcorp
Classification: Pathogenic. Last evaluated: 2023-07-18. Review status: criteria provided, single submitter. Criteria: Invitae Variant Classification Sherloc (09022015). Collection method: clinical testing. Allele origin: germline.
Comment: For these reasons, this variant has been classified as Pathogenic. This variant has not been reported in the literature in individuals affected with ATP8B1-related conditions. This variant is not present in population databases (gnomAD no frequency). This sequence change creates a premature translational stop signal (p.Tyr142*) in the ATP8B1 gene. It is expected to result in an absent or disrupted protein product. Loss-of-function variants in ATP8B1 are known to be pathogenic (PMID: 15239083, 22525741).

Literature cited by the submitters: PubMed 15239083; PubMed 22525741.